The following is an entry in ClinVar:

ClinVar aggregate classification (germline): Uncertain significance (1 of 4 stars; one submission).

Allele frequency attached by ClinVar (database versions not stated): gnomAD 0.00013; gnomAD exomes 0.00014 and 0.00022; 1000 Genomes Project 30x 0.00016; 1000 Genomes Project 0.00020; ExAC 0.00029.
gnomAD v4.1: 219 of 1,613,352 alleles (0.014%); highest among the groups gnomAD compares: Non-Finnish European, 0.012%; no homozygotes.

Submissions (2):

Labcorp Genetics (formerly Invitae), Labcorp
Classification: Uncertain significance. Last evaluated: 2022-08-20. Review status: criteria provided, single submitter. Criteria: Invitae Variant Classification Sherloc (09022015). Collection method: clinical testing. Allele origin: germline.
Comment: This sequence change replaces glutamic acid, which is acidic and polar, with lysine, which is basic and polar, at codon 596 of the HPS5 protein (p.Glu596Lys). This variant is present in population databases (rs200836825, gnomAD 0.1%). This variant has not been reported in the literature in individuals affected with HPS5-related conditions. ClinVar contains an entry for this variant (Variation ID: 1351354). Algorithms developed to predict the effect of missense changes on protein structure and function are either unavailable or do not agree on the potential impact of this missense change (SIFT: "Deleterious"; PolyPhen-2: "Benign"; Align-GVGD: "Class C0"). In summary, the available evidence is currently insufficient to determine the role of this variant in disease. Therefore, it has been classified as a Variant of Uncertain Significance.

Dr. Peter K. Rogan Lab, Western University
No classification provided (evidence only). Condition: Uterine corpus endometrial carcinoma. Review status: no classification provided. Collection method: in vitro. Allele origin: not applicable. Functional consequence: retained intron. Not counted in ClinVar's aggregate classification.

NM_181507.2(HPS5):c.1786G>A (p.Glu596Lys)

Gene: HPS5 (HPS5 biogenesis of lysosomal organelles complex 2 subunit 2; minus strand). Cytogenetic location: 11p15.1.
Variant type: single nucleotide variant.
Coding change: c.1786G>A on transcript NM_181507.2 (MANE Select); coding-DNA position 1786, G replaced by A.
Protein change: p.Glu596Lys; replaces glutamic acid 596 with lysine.
Molecular consequence: missense variant.
Genome position (GRCh38, 1-based): chr11:18,292,975, C>T on the plus strand (G>A on the coding strand, the complement: HPS5 is on the minus strand). VCF-style: chr11-18292975-C-T. GRCh37 (hg19) VCF-style: chr11-18314522-C-T.
Other names: c.1444G>A, p.Glu482Lys (NM_007216.4, NM_181508.2); short protein forms E482K, E596K.
Identifiers: ClinVar variation 1351354 (VCV001351354.4), dbSNP rs200836825, ClinGen allele CA5909993.